The following is an entry in ClinVar:

NM_001267550.2(TTN):c.73888A>G (p.Arg24630Gly)

Genes: TTN (titin; minus strand), TTN-AS1 (TTN antisense RNA 1; plus strand). Cytogenetic location: 2q31.2.
Variant type: single nucleotide variant.
Coding change: c.73888A>G on transcript NM_001267550.2 (MANE Select); coding-DNA position 73888, A replaced by G.
Protein change: p.Arg24630Gly; replaces arginine 24630 with glycine.
Molecular consequence: missense variant.
Genome position (GRCh38, 1-based): chr2:178,572,244, T>C on the plus strand (A>G on the coding strand, the complement: TTN is on the minus strand). VCF-style: chr2-178572244-T-C. GRCh37 (hg19) VCF-style: chr2-179436971-T-C.
Other names: c.68965A>G, p.Arg22989Gly (NM_001256850.1); c.46693A>G, p.Arg15565Gly (NM_003319.4); c.66184A>G, p.Arg22062Gly (NM_133378.4); c.47068A>G, p.Arg15690Gly (NM_133432.3); c.47269A>G, p.Arg15757Gly (NM_133437.4); short protein forms R15565G, R15690G, R15757G, R22062G, R22989G, R24630G.
Identifiers: ClinVar variation 1014962 (VCV001014962.31), dbSNP rs573355547, ClinGen allele CA1990294.
Genomic context (GRCh38, chr2:178,572,244, plus strand): 5'-CTAGAATTCGGCTGCCTCCATCATGCTCTGGTTTCTCCCAAGAGAGTGACACACTATTTC[T>C]TGTGACATCCATCAAAGTTATTTTTCCTGGAGGAAGAGGTCGTTCTGATGCTTTCACAGA-3'
Protein context (NP_001254479.2, residues 24620-24640): PGKITLMDVT[Arg24630Gly]NSVSLSWEKP

ClinVar aggregate classification (germline): Uncertain significance. Review status: criteria provided, multiple submitters, no conflicts (2 of 4 stars). 4 submissions from 4 submitters: Uncertain significance (4). Last evaluated 2025-11-04.

Conditions:
Dilated cardiomyopathy 1G (CMD1G). Identifiers: Orphanet 154, MedGen C1858763, MONDO:0011400, OMIM 604145.
Tibial muscular dystrophy (TMD). Also called: UDD MYOPATHY; Tibial muscular dystrophy, tardive; Udd Distal Myopathy – Tibial Muscular Dystrophy. Identifiers: Orphanet 609, MedGen C1838244, MONDO:0010870, OMIM 600334.
Hypertrophic cardiomyopathy 9. Also called: Familial hypertrophic cardiomyopathy 9. Identifiers: MedGen C1861065, MONDO:0013412, OMIM 613765.
Autosomal recessive limb-girdle muscular dystrophy type 2J (LGMDR10). Also called: MUSCULAR DYSTROPHY, LIMB-GIRDLE, AUTOSOMAL RECESSIVE 10; Limb-girdle muscular dystrophy, type 2J. Identifiers: Orphanet 140922, MedGen C1837342, MONDO:0012127, OMIM 608807.
Myopathy, myofibrillar, 9, with early respiratory failure (MFM9). Also called: Myopathy, distal, with early respiratory failure, autosomal dominant; Hereditary myopathy with early respiratory failure; EDSTROM MYOPATHY; MYOPATHY, PROXIMAL, WITH EARLY RESPIRATORY MUSCLE INVOLVEMENT. Identifiers: Orphanet 178464, Orphanet 34521, MedGen C1863599, MONDO:0011362, OMIM 603689.
Early-onset myopathy with fatal cardiomyopathy (CMYO5). Also called: Salih Myopathy; CONGENITAL MYOPATHY 5 WITH CARDIOMYOPATHY. Identifiers: Orphanet 289377, MedGen C2673677, MONDO:0012714, OMIM 611705. Disease mechanism: loss of function.

Allele frequency attached by ClinVar (database versions not stated): gnomAD exomes below 0.00001 and 0.00002; gnomAD 0.00001; ExAC 0.00002; TOPMed 0.00004; 1000 Genomes Project 30x 0.00016; 1000 Genomes Project 0.00020.
gnomAD v4.1: 7 of 1,613,390 alleles (0.00043%); highest among the groups gnomAD compares: East Asian, 0.013%; no homozygotes.

Submissions (4):

Women's Health and Genetics/Laboratory Corporation of America, LabCorp
Classification: Uncertain significance. Last evaluated: 2025-11-04. Review status: criteria provided, single submitter. Criteria: LabCorp Variant Classification Summary - May 2015. Collection method: clinical testing. Allele origin: germline.

CeGaT Center for Human Genetics Tuebingen
Classification: Uncertain significance. Last evaluated: 2023-01-01. Review status: criteria provided, single submitter. Criteria: CeGaT Center For Human Genetics Tuebingen Variant Classification Criteria Version 2. Collection method: clinical testing. Allele origin: germline. Affected: yes. Observed: 1 variant allele.
Comment: TTN: PM2, BP4

Fulgent Genetics
Classification: Uncertain significance for Tibial muscular dystrophy; Myopathy, myofibrillar, 9, with early respiratory failure; Dilated cardiomyopathy 1G; Autosomal recessive limb-girdle muscular dystrophy type 2J; Early-onset myopathy with fatal cardiomyopathy; Hypertrophic cardiomyopathy 9. Last evaluated: 2022-02-18. Review status: criteria provided, single submitter. Criteria: ACMG Guidelines, 2015. Collection method: clinical testing. Allele origin: unknown.

Labcorp Genetics (formerly Invitae), Labcorp
Classification: Uncertain significance for Dilated cardiomyopathy 1G; Autosomal recessive limb-girdle muscular dystrophy type 2J. Last evaluated: 2018-06-24. Review status: criteria provided, single submitter. Criteria: Invitae Variant Classification Sherloc (09022015). Collection method: clinical testing. Allele origin: germline.
Comment: This sequence change replaces arginine with glycine at codon 24630 of the TTN protein (p.Arg24630Gly). There is a moderate physicochemical difference between arginine and glycine. This variant is present in population databases (rs573355547, ExAC 0.04%). This variant has not been reported in the literature in individuals with TTN-related disease. This variant is located in the A band of TTN (PMID: 25589632). Variants in this region may be relevant for cardiac or neuromuscular disorders (PMID: 25589632, 23975875). Algorithms developed to predict the effect of missense changes on protein structure and function are unavailable for the TTN gene. Algorithms developed to predict the effect of sequence changes on RNA splicing suggest that this variant may create or strengthen a splice site, but this prediction has not been confirmed by published transcriptional studies. In summary, the available evidence is currently insufficient to determine the role of this variant in disease. Therefore, it has been classified as a Variant of Uncertain Significance.

Literature cited by the submitters: PubMed 25589632 (cited by Labcorp Genetics (formerly Invitae), Labcorp); PubMed 23975875 (cited by Labcorp Genetics (formerly Invitae), Labcorp).